The following is an entry in ClinVar:

NM_005262.3(GFER):c.454A>G (p.Arg152Gly)

Gene: GFER (growth factor, augmenter of liver regeneration; plus strand). Cytogenetic location: 16p13.3.
Variant type: single nucleotide variant.
Coding change: c.454A>G on transcript NM_005262.3 (MANE Select); coding-DNA position 454, A replaced by G.
Protein change: p.Arg152Gly; replaces arginine 152 with glycine.
Molecular consequence: missense variant.
Genome position (GRCh38, 1-based): chr16:1,984,942, A>G. VCF-style: chr16-1984942-A-G. GRCh37 (hg19) VCF-style: chr16-2034943-A-G.
Other names: p.R152G:AGG>GGG; short protein forms R152G.
Identifiers: ClinVar variation 214472 (VCV000214472.2), dbSNP rs863224026, ClinGen allele CA320516.

ClinVar aggregate classification (germline): Uncertain significance (1 of 4 stars; one submission).

Submission:

GeneDx
Classification: Uncertain significance. Last evaluated: 2014-04-16. Review status: criteria provided, single submitter. Criteria: GeneDx Variant Classification (06012015). Collection method: clinical testing. Allele origin: germline. Affected: yes.
Comment: p.Arg152Gly (AGG>GGG): c.454 A>G in exon 2 of the GFER gene (NM_005262.2). The R152G variant has not been published as a mutation, nor has it been reported as a benign polymorphism to our knowledge. The R152G variant is a non-conservative amino acid substitution, which is likely to impact secondary protein structure as these residues differ in polarity, charge, size and/or other properties. This substitution occurs at a position that is conserved across species. In silico analysis is inconsistent in its predictions as to whether or not the variant is damaging to the protein structure/function. Therefore, based on the currently available information, it is unclear whether this variant is a pathogenic mutation or a rare benign variant. The variant is found in MITONUC-MITOP panel(s).